The following is an entry in ClinVar:

NM_006363.6(SEC23B):c.1838A>T (p.Asp613Val)

Gene: SEC23B (SEC23 homolog B, COPII component; plus strand). Cytogenetic location: 20p11.23.
Variant type: single nucleotide variant.
Coding change: c.1838A>T on transcript NM_006363.6 (MANE Select); coding-DNA position 1838, A replaced by T.
Protein change: p.Asp613Val; replaces aspartic acid 613 with valine.
Molecular consequence: missense variant.
Genome position (GRCh38, 1-based): chr20:18,548,703, A>T. VCF-style: chr20-18548703-A-T. GRCh37 (hg19) VCF-style: chr20-18529347-A-T.
Other names: c.1838A>T, p.Asp613Val (NM_001172745.3, NM_032985.6, NM_032986.5); c.1784A>T, p.Asp595Val (NM_001172746.3); short protein forms D595V, D613V.
Identifiers: ClinVar variation 3761765 (VCV003761765.2).

ClinVar aggregate classification (germline): Uncertain significance (1 of 4 stars; one submission).

Conditions:
Congenital dyserythropoietic anemia, type II (CDAN2). Also called: DYSERYTHROPOIETIC ANEMIA, HEMPAS TYPE. Identifiers: Orphanet 98873, MedGen C1306589, MONDO:0009134, OMIM 224100.
Cowden syndrome 7 (CWS7). Identifiers: Orphanet 201, MedGen C4225179, MONDO:0014802, OMIM 616858.

gnomAD v4.1: 2 of 1,614,058 alleles (0.00012%); highest among the groups gnomAD compares: Non-Finnish European, 0.00017%; no homozygotes.

Submission:

Labcorp Genetics (formerly Invitae), Labcorp
Classification: Uncertain significance for Congenital dyserythropoietic anemia, type II; Cowden syndrome 7. Last evaluated: 2024-09-08. Review status: criteria provided, single submitter. Criteria: Invitae Variant Classification Sherloc (09022015). Collection method: clinical testing. Allele origin: germline.
Comment: This sequence change replaces aspartic acid, which is acidic and polar, with valine, which is neutral and non-polar, at codon 613 of the SEC23B protein (p.Asp613Val). This variant is present in population databases (no rsID available, gnomAD 0.01%). This variant has not been reported in the literature in individuals affected with SEC23B-related conditions. Invitae Evidence Modeling of protein sequence and biophysical properties (such as structural, functional, and spatial information, amino acid conservation, physicochemical variation, residue mobility, and thermodynamic stability) has been performed for this missense variant. However, the output from this modeling did not meet the statistical confidence thresholds required to predict the impact of this variant on SEC23B protein function. In summary, the available evidence is currently insufficient to determine the role of this variant in disease. Therefore, it has been classified as a Variant of Uncertain Significance.